The following is an entry in ClinVar:

ClinVar aggregate classification (germline): Conflicting classifications of pathogenicity. Review status: criteria provided, conflicting classifications (1 of 4 stars). 5 submissions from 4 submitters: Uncertain significance (4); Likely benign (1). Last evaluated 2025-09-14.

Conditions:
Familial hypobetalipoproteinemia 1. Also called: APOB-Related Familial Hypobetalipoproteinemia; Hypobetalipoproteinemia, normotriglyceridemic; Acanthocytosis with hypobetalipoproteinemia. Identifiers: MedGen C4551990, MONDO:0014252, OMIM 615558.
Hypercholesterolemia, autosomal dominant, type B (FHCL2). Also called: APOB-Related Familial Hypercholesterolemia, Autosomal Dominant; Hyperlipoproteinemia Type IIb; Familial Hypercholesterolemia Type B; APOLIPOPROTEIN B-100, FAMILIAL DEFECTIVE; APOLIPOPROTEIN B-100, FAMILIAL LIGAND-DEFECTIVE; Familial hypercholesterolemia 2. Identifiers: MedGen C1704417, MONDO:0007751, OMIM 144010.
Cardiovascular phenotype. Identifiers: MedGen CN230736.

Allele frequency attached by ClinVar (database versions not stated): ExAC 0.00001; gnomAD exomes 0.00003; TOPMed 0.00006; gnomAD 0.00007 and 0.00009.
gnomAD v4.1: 53 of 1,613,996 alleles (0.0033%); highest among the groups gnomAD compares: Middle Eastern, 0.049%; no homozygotes.

Submissions (5):

Labcorp Genetics (formerly Invitae), Labcorp
Classification: Likely benign for Familial hypobetalipoproteinemia 1; Hypercholesterolemia, autosomal dominant, type B. Last evaluated: 2025-09-14. Review status: criteria provided, single submitter. Criteria: Invitae Variant Classification Sherloc (09022015). Collection method: clinical testing. Allele origin: germline.

Ambry Genetics
Classification: Uncertain significance for Cardiovascular phenotype. Last evaluated: 2024-05-12. Review status: criteria provided, single submitter. Criteria: Ambry Variant Classification Scheme 2023. Collection method: clinical testing. Allele origin: germline.
Comment: The p.Q3432R variant (also known as c.10295A>G), located in coding exon 26 of the APOB gene, results from an A to G substitution at nucleotide position 10295. The glutamine at codon 3432 is replaced by arginine, an amino acid with highly similar properties. This amino acid position is conserved. In addition, this alteration is predicted to be tolerated by in silico analysis. Since supporting evidence is limited at this time, the clinical significance of this alteration remains unclear.

Fulgent Genetics
Classification: Uncertain significance for Hypercholesterolemia, autosomal dominant, type B; Familial hypobetalipoproteinemia 1. Last evaluated: 2021-07-19. Review status: criteria provided, single submitter. Criteria: ACMG Guidelines, 2015. Collection method: clinical testing. Allele origin: unknown.

Illumina Laboratory Services, Illumina
Classification: Uncertain significance for Hypercholesterolemia, autosomal dominant, type B. Last evaluated: 2018-01-12. Review status: criteria provided, single submitter. Criteria: ICSL Variant Classification Criteria 13 December 2019. Collection method: clinical testing. Allele origin: germline.

Illumina Laboratory Services, Illumina
Classification: Uncertain significance for Familial hypobetalipoproteinemia 1. Last evaluated: 2018-01-12. Review status: criteria provided, single submitter. Criteria: ICSL Variant Classification Criteria 13 December 2019. Collection method: clinical testing. Allele origin: germline.

NM_000384.3(APOB):c.10295A>G (p.Gln3432Arg)

Gene: APOB (apolipoprotein B; minus strand). Cytogenetic location: 2p24.1.
Variant type: single nucleotide variant.
Coding change: c.10295A>G on transcript NM_000384.3 (MANE Select); coding-DNA position 10295, A replaced by G.
Protein change: p.Gln3432Arg; replaces glutamine 3432 with arginine.
Molecular consequence: missense variant.
Genome position (GRCh38, 1-based): chr2:21,006,573, T>C on the plus strand (A>G on the coding strand, the complement: APOB is on the minus strand). VCF-style: chr2-21006573-T-C. GRCh37 (hg19) VCF-style: chr2-21229445-T-C.
Other names: short protein forms Q3432R.
Identifiers: ClinVar variation 630260 (VCV000630260.23), dbSNP rs759043889, ClinGen allele CA043118.